The following is an entry in ClinVar:

ClinVar aggregate classification (germline): Uncertain significance (1 of 4 stars; one submission).

Allele frequency attached by ClinVar (database versions not stated): ExAC 0.00001.
gnomAD v4.1: 13 of 1,613,214 alleles (0.00081%); highest among the groups gnomAD compares: Non-Finnish European, 0.001%; no homozygotes.

Submission:

Labcorp Genetics (formerly Invitae), Labcorp
Classification: Uncertain significance. Last evaluated: 2023-07-21. Review status: criteria provided, single submitter. Criteria: Invitae Variant Classification Sherloc (09022015). Collection method: clinical testing. Allele origin: germline.
Comment: This sequence change replaces valine, which is neutral and non-polar, with leucine, which is neutral and non-polar, at codon 2185 of the ADGRV1 protein (p.Val2185Leu). This variant is present in population databases (rs764238043, gnomAD 0.002%). This variant has not been reported in the literature in individuals affected with ADGRV1-related conditions. Advanced modeling of protein sequence and biophysical properties (such as structural, functional, and spatial information, amino acid conservation, physicochemical variation, residue mobility, and thermodynamic stability) performed at Invitae indicates that this missense variant is not expected to disrupt ADGRV1 protein function. In summary, the available evidence is currently insufficient to determine the role of this variant in disease. Therefore, it has been classified as a Variant of Uncertain Significance.

NM_032119.4(ADGRV1):c.6553G>C (p.Val2185Leu)

Gene: ADGRV1 (adhesion G protein-coupled receptor V1; plus strand). Cytogenetic location: 5q14.3.
Variant type: single nucleotide variant.
Coding change: c.6553G>C on transcript NM_032119.4 (MANE Select); coding-DNA position 6553, G replaced by C.
Protein change: p.Val2185Leu; replaces valine 2185 with leucine.
Molecular consequence: missense variant. On other transcripts: non-coding transcript variant (1).
Genome position (GRCh38, 1-based): chr5:90,689,923, G>C. VCF-style: chr5-90689923-G-C. GRCh37 (hg19) VCF-style: chr5-89985740-G-C.
Other names: short protein forms V2185L.
Identifiers: ClinVar variation 2775596 (VCV002775596.3), dbSNP rs764238043, ClinGen allele CA3339826.